The following is an entry in ClinVar:

ClinVar aggregate classification (germline): Pathogenic (1 of 4 stars; one submission).

Conditions:
Jeune thoracic dystrophy. Also called: Jeune's syndrome; Chondroectodermal dysplasia-like syndrome; Short-rib thoracic dysplasia; Jeune syndrome; Infantile thoracic dystrophy; Thoracic pelvic phalangeal dystrophy. Identifiers: Orphanet 474, MedGen C0265275, MONDO:0018770.

Submission:

Labcorp Genetics (formerly Invitae), Labcorp
Classification: Pathogenic for Jeune thoracic dystrophy. Last evaluated: 2023-05-13. Review status: criteria provided, single submitter. Criteria: Invitae Variant Classification Sherloc (09022015). Collection method: clinical testing. Allele origin: unknown.
Comment: For these reasons, this variant has been classified as Pathogenic. This variant disrupts a region of the DYNC2H1 protein in which other variant(s) (p.Arg4284Gly) have been determined to be pathogenic (PMID: 29068549). This suggests that this is a clinically significant region of the protein, and that variants that disrupt it are likely to be disease-causing. This variant has not been reported in the literature in individuals affected with DYNC2H1-related conditions. This variant is a gross deletion of the genomic region encompassing exon(s) 90 of the DYNC2H1 gene, which includes the termination codon. This deletion extends beyond the assayed region for this gene and therefore may encompass additional genes. While this deletion is not anticipated to lead to nonsense mediated decay, it is expected to alter mRNA translation or result in a truncated protein product.

Literature cited by the submitters: PubMed 29068549.

NC_000011.9:g.(?_103349803)_(103349981_?)del

Gene: DYNC2H1 (dynein cytoplasmic 2 heavy chain 1; plus strand). Cytogenetic location: 11q22.3.
Variant type: Deletion.
Identifiers: ClinVar variation 3244564 (VCV003244564.1).